The following is an entry in ClinVar:

NM_001110556.2(FLNA):c.6898C>T (p.Gln2300Ter)

Gene: FLNA (filamin A; minus strand). Cytogenetic location: Xq28.
Variant type: single nucleotide variant.
Coding change: c.6898C>T on transcript NM_001110556.2 (MANE Select); coding-DNA position 6898, C replaced by T.
Protein change: p.Gln2300Ter; replaces glutamine 2300 with a stop codon.
Molecular consequence: nonsense.
Genome position (GRCh38, 1-based): chrX:154,351,893, G>A on the plus strand (C>T on the coding strand, the complement: FLNA is on the minus strand). VCF-style: chrX-154351893-G-A. GRCh37 (hg19) VCF-style: chrX-153580261-G-A.
Other names: c.6874C>T, p.Gln2292Ter (NM_001456.4); short protein forms Q2292*, Q2300*.
Identifiers: ClinVar variation 1455761 (VCV001455761.6), dbSNP rs2148103458, ClinGen allele CA415186126.
Genomic context (GRCh38, chrX:154,351,893, plus strand): 5'-ATACCCACACTCAGGCCCCACCTCCTCCAACCCCAGCCGGGTTCCCAGTACCTGGCTCCT[G>A]GACCACATAAGCCACACCACAGGAGCCGTCCTTGCGGTCCTCAAAAGAGATCTCAGCCTT-3'

ClinVar aggregate classification (germline): Pathogenic (1 of 4 stars; one submission).

Conditions:
Melnick-Needles syndrome (MNS). Also called: MELNICK-NEEDLES OSTEODYSPLASTY; Melnick-Needles Syndrome (FLNA-MNS); OSTEODYSPLASTY OF MELNICK AND NEEDLES. Identifiers: Orphanet 2484, MedGen C0025237, MONDO:0010650, OMIM 309350.
Frontometaphyseal dysplasia (FMD1). Identifiers: Orphanet 1826, MedGen C0265293, MONDO:0015942.
Heterotopia, periventricular, X-linked dominant (PVNH1). Also called: PERIVENTRICULAR NODULAR HETEROTOPIA 1; X-linked periventricular heterotopia; PERIVENTRICULAR NODULAR HETEROTOPIA 4; HETEROTOPIA, PERIVENTRICULAR, 1. Identifiers: Orphanet 2149, Orphanet 82004, MedGen C1848213, MONDO:0010233, OMIM 300049.
Oto-palato-digital syndrome, type II (OPD2). Also called: FACIOPALATOOSSEOUS SYNDROME; Otopalatodigital Syndrome Type 2 (FLNA-OPD2); OPD II SYNDROME; Otopalatodigital Syndrome, Type II. Identifiers: Orphanet 669, Orphanet 90652, MedGen C1844696, MONDO:0010571, OMIM 304120.

Submission:

Labcorp Genetics (formerly Invitae), Labcorp
Classification: Pathogenic for Oto-palato-digital syndrome, type II; Heterotopia, periventricular, X-linked dominant; Frontometaphyseal dysplasia; Melnick-Needles syndrome. Last evaluated: 2022-10-05. Review status: criteria provided, single submitter. Criteria: Invitae Variant Classification Sherloc (09022015). Collection method: clinical testing. Allele origin: germline.
Comment: For these reasons, this variant has been classified as Pathogenic. ClinVar contains an entry for this variant (Variation ID: 1455761). This variant is also known as Gln2300*. This premature translational stop signal has been observed in individual(s) with periventricular heterotopia (PMID: 26471271). This variant is not present in population databases (gnomAD no frequency). This sequence change creates a premature translational stop signal (p.Gln2292*) in the FLNA gene. It is expected to result in an absent or disrupted protein product. Loss-of-function variants in FLNA are known to be pathogenic (PMID: 16684786, 20730588, 26471271).

Literature cited by the submitters: PubMed 26471271; PubMed 16684786; PubMed 20730588.